The following is an entry in ClinVar:

ClinVar aggregate classification (germline): Uncertain significance (1 of 4 stars; one submission).

Submission:

Ambry Genetics
Classification: Uncertain significance. Last evaluated: 2022-03-13. Review status: criteria provided, single submitter. Criteria: Ambry Variant Classification Scheme 2023. Collection method: clinical testing. Allele origin: germline.
Comment: The p.V215L variant (also known as c.643G>T), located in coding exon 7 of the RAD54L gene, results from a G to T substitution at nucleotide position 643. The valine at codon 215 is replaced by leucine, an amino acid with highly similar properties. This amino acid position is conserved. In addition, this alteration is predicted to be tolerated by in silico analysis. Since supporting evidence is limited at this time, the clinical significance of this alteration remains unclear.

NM_003579.4(RAD54L):c.643G>T (p.Val215Leu)

Gene: RAD54L (RAD54 like; plus strand). Cytogenetic location: 1p34.1.
Variant type: single nucleotide variant.
Coding change: c.643G>T on transcript NM_003579.4 (MANE Select); coding-DNA position 643, G replaced by T.
Protein change: p.Val215Leu; replaces valine 215 with leucine.
Molecular consequence: missense variant.
Genome position (GRCh38, 1-based): chr1:46,260,892, G>T. VCF-style: chr1-46260892-G-T. GRCh37 (hg19) VCF-style: chr1-46726564-G-T.
Other names: c.643G>T, p.Val215Leu (NM_001142548.2); c.103G>T, p.Val35Leu (NM_001370766.1); short protein forms V215L, V35L.
Identifiers: ClinVar variation 1753545 (VCV001753545.2), dbSNP rs2148288451, ClinGen allele CA340186909.